The following is an entry in ClinVar:

ClinVar aggregate classification (germline): Likely benign. Review status: criteria provided, single submitter (1 of 4 stars). 2 submissions from 2 submitters: Likely benign (1). 1 of the submissions does not count toward it. Last evaluated 2023-06-14.

Conditions:
TNFRSF4-related disorder. Also called: TNFRSF4-related condition.
Combined immunodeficiency due to OX40 deficiency. Also called: OX40 DEFICIENCY; Immunodeficiency 16. Identifiers: Orphanet 431149, MedGen C3810053, MONDO:0014268, OMIM 615593.

Allele frequency attached by ClinVar (database versions not stated): gnomAD 0.00001; TOPMed 0.00001; ExAC 0.00002; gnomAD exomes 0.00002.
gnomAD v4.1: 36 of 1,601,260 alleles (0.0022%); highest among the groups gnomAD compares: South Asian, 0.0045%; no homozygotes.

Submissions (2):

Labcorp Genetics (formerly Invitae), Labcorp
Classification: Likely benign for Combined immunodeficiency due to OX40 deficiency. Last evaluated: 2023-06-14. Review status: criteria provided, single submitter. Criteria: Invitae Variant Classification Sherloc (09022015). Collection method: clinical testing. Allele origin: germline.

PreventionGenetics, part of Exact Sciences
Classification: Likely benign for TNFRSF4-related condition. Last evaluated: 2024-01-08. Review status: no assertion criteria provided. Collection method: clinical testing. Allele origin: germline. Not counted in ClinVar's aggregate classification.
Comment: This variant is classified as likely benign based on ACMG/AMP sequence variant interpretation guidelines (Richards et al. 2015 PMID: 25741868, with internal and published modifications).

NM_003327.4(TNFRSF4):c.201C>T (p.Cys67=)

Gene: TNFRSF4 (TNF receptor superfamily member 4; minus strand). Cytogenetic location: 1p36.33.
Variant type: single nucleotide variant.
Coding change: c.201C>T on transcript NM_003327.4 (MANE Select); coding-DNA position 201, C replaced by T.
Protein change: p.Cys67=; no amino-acid change (cysteine 67 retained).
Molecular consequence: synonymous variant.
Genome position (GRCh38, 1-based): chr1:1,213,730, G>A on the plus strand (C>T on the coding strand, the complement: TNFRSF4 is on the minus strand). VCF-style: chr1-1213730-G-A. GRCh37 (hg19) VCF-style: chr1-1149110-G-A.
Other names: c.201C>T, p.Cys67= (NM_001410709.1); c.201C>T (NM_003327.3).
Identifiers: ClinVar variation 2722496 (VCV002722496.5), dbSNP rs764549972, ClinGen allele CA512626.